The following is an entry in ClinVar:

NM_030665.4(RAI1):c.692del (p.Gln231fs)

Gene: RAI1 (retinoic acid induced 1; plus strand). Cytogenetic location: 17p11.2.
Variant type: Deletion.
Coding change: c.692del on transcript NM_030665.4 (MANE Select); coding-DNA position 692, one base deleted (A; older notation c.692delA).
Protein change: p.Gln231fs; shifts the reading frame from glutamine 231.
Molecular consequence: frameshift variant.
Genome position (GRCh38, 1-based): chr17:17,793,640, A deleted. VCF-style (leftmost placement, unchanged base first): chr17-17793639-CA-C. GRCh37 (hg19) VCF-style: chr17-17696953-CA-C.
Other names: short protein forms Q231fs.
Identifiers: ClinVar variation 3663612 (VCV003663612.2).

ClinVar aggregate classification (germline): Pathogenic (1 of 4 stars; one submission).

Submission:

Labcorp Genetics (formerly Invitae), Labcorp
Classification: Pathogenic. Last evaluated: 2024-08-28. Review status: criteria provided, single submitter. Criteria: Invitae Variant Classification Sherloc (09022015). Collection method: clinical testing. Allele origin: germline.
Comment: This sequence change creates a premature translational stop signal (p.Gln231Argfs*21) in the RAI1 gene. It is expected to result in an absent or disrupted protein product. Loss-of-function variants in RAI1 are known to be pathogenic (PMID: 21857958, 24715852). This variant is not present in population databases (gnomAD no frequency). This variant has not been reported in the literature in individuals affected with RAI1-related conditions. For these reasons, this variant has been classified as Pathogenic.

Literature cited by the submitters: PubMed 21857958; PubMed 24715852.